The following is an entry in ClinVar:

NM_001164508.2(NEB):c.20040del (p.Met6680fs)

Gene: NEB (nebulin; minus strand). Cytogenetic location: 2q23.3.
Variant type: Deletion.
Coding change: c.20040del on transcript NM_001164508.2 (MANE Select); coding-DNA position 20040, one base deleted (G; older notation c.20040delG).
Protein change: p.Met6680fs; shifts the reading frame from methionine 6680.
Molecular consequence: frameshift variant.
Genome position (GRCh38, 1-based): chr2:151,549,645, C deleted on the plus strand (G on the coding strand, the reverse complement: NEB is on the minus strand). VCF-style (leftmost placement, unchanged base first): chr2-151549644-TC-T. GRCh37 (hg19) VCF-style: chr2-152406158-TC-T.
Other names: c.20040del, p.Met6680fs (NM_001164507.2, NM_001271208.2); c.14937del, p.Met4979fs (NM_004543.5); short protein forms M4979fs, M6680fs.
Identifiers: ClinVar variation 5016163 (VCV005016163.1).

ClinVar aggregate classification (germline): Pathogenic (1 of 4 stars; one submission).

Conditions:
Nemaline myopathy 2 (NEM2). Also called: Nemaline myopathy 2, autosomal recessive. Identifiers: MedGen C1850569, MONDO:0009725, OMIM 256030.

Submission:

Myriad Genetics, Inc.
Classification: Pathogenic for Nemaline myopathy 2. Last evaluated: 2026-07-27. Review status: criteria provided, single submitter. Criteria: Myriad Autosomal Dominant, Autosomal Recessive and X-Linked Classification Criteria (2023). Collection method: clinical testing. Allele origin: unknown.
Comment: NM_001271208.1(NEB):c.20040delG(M6680Ifs*50) is expected to be pathogenic in the context of NEB-related nemaline myopathy. This variant is predicted to lead to an abnormal or absent protein product due to the creation of a premature termination codon in NEB, a gene where loss-of-function variants are known to be pathogenic. Please note: this variant was assessed in the context of healthy population screening.